The following is an entry in ClinVar:

NM_000111.3(SLC26A3):c.383-1G>A

Gene: SLC26A3 (solute carrier family 26 member 3; minus strand). Cytogenetic location: 7q22.3.
Variant type: single nucleotide variant.
Coding change: c.383-1G>A on transcript NM_000111.3 (MANE Select); the canonical splice acceptor site of the intron before coding-DNA position 383, G replaced by A.
Molecular consequence: splice acceptor variant.
Genome position (GRCh38, 1-based): chr7:107,791,236, C>T on the plus strand (G>A on the coding strand, the complement: SLC26A3 is on the minus strand). VCF-style: chr7-107791236-C-T. GRCh37 (hg19) VCF-style: chr7-107431681-C-T.
Identifiers: ClinVar variation 2852213 (VCV002852213.3), dbSNP rs1360001910, ClinGen allele CA368853800.

ClinVar aggregate classification (germline): Likely pathogenic (1 of 4 stars; one submission).

Allele frequency attached by ClinVar (database versions not stated): TOPMed below 0.00001; gnomAD 0.00001.
gnomAD v4.1: 1 of 1,614,020 alleles (0.000062%); highest among the groups gnomAD compares: African/African-American, 0.0013%; no homozygotes.

Submission:

Labcorp Genetics (formerly Invitae), Labcorp
Classification: Likely pathogenic. Last evaluated: 2023-04-06. Review status: criteria provided, single submitter. Criteria: Invitae Variant Classification Sherloc (09022015). Collection method: clinical testing. Allele origin: germline.
Comment: In summary, the currently available evidence indicates that the variant is pathogenic, but additional data are needed to prove that conclusively. Therefore, this variant has been classified as Likely Pathogenic. This variant has not been reported in the literature in individuals affected with SLC26A3-related conditions. This variant is present in population databases (no rsID available, gnomAD 0.01%). This sequence change affects an acceptor splice site in intron 4 of the SLC26A3 gene. It is expected to disrupt RNA splicing. Variants that disrupt the donor or acceptor splice site typically lead to a loss of protein function (PMID: 16199547), and loss-of-function variants in SLC26A3 are known to be pathogenic (PMID: 9718329, 21394828). Algorithms developed to predict the effect of sequence changes on RNA splicing suggest that this variant may disrupt the consensus splice site.

Literature cited by the submitters: PubMed 16199547; PubMed 9718329; PubMed 21394828.